The following is an entry in ClinVar:

ClinVar aggregate classification (germline): Conflicting classifications of pathogenicity. Review status: criteria provided, conflicting classifications (1 of 4 stars). 5 submissions from 5 submitters: Uncertain significance (4); Likely benign (1). Last evaluated 2026-02-02.

Conditions:
Inborn genetic diseases. Identifiers: MedGen C0950123, MeSH D030342.
Usher syndrome type 1G. Also called: USHER SYNDROME, TYPE IG, MILD. Identifiers: Orphanet 231169, Orphanet 886, MedGen C1847089, MONDO:0011748, OMIM 606943.

Allele frequency attached by ClinVar (database versions not stated): TOPMed 0.00005; gnomAD 0.00006.
gnomAD v4.1: 114 of 1,603,276 alleles (0.0071%); highest among the groups gnomAD compares: Non-Finnish European, 0.0093%; no homozygotes.

Submissions (5):

Labcorp Genetics (formerly Invitae), Labcorp
Classification: Likely benign. Last evaluated: 2026-02-02. Review status: criteria provided, single submitter. Criteria: Invitae Variant Classification Sherloc (09022015). Collection method: clinical testing. Allele origin: germline.

GeneDx
Classification: Uncertain significance. Last evaluated: 2025-02-07. Review status: criteria provided, single submitter. Criteria: GeneDx Variant Classification Process June 2021. Collection method: clinical testing. Allele origin: germline.
Comment: In silico analysis indicates that this missense variant does not alter protein structure/function; Has not been previously published as pathogenic or benign to our knowledge

Blueprint Genetics
Classification: Uncertain significance. Last evaluated: 2024-09-11. Review status: criteria provided, single submitter. Criteria: ACMG Guidelines, 2015. Collection method: clinical testing. Allele origin: germline.

Ambry Genetics
Classification: Uncertain significance for Inborn genetic diseases. Last evaluated: 2021-09-17. Review status: criteria provided, single submitter. Criteria: Ambry Variant Classification Scheme 2023. Collection method: clinical testing. Allele origin: germline.

Illumina Laboratory Services, Illumina
Classification: Uncertain significance for Usher syndrome type 1G. Last evaluated: 2018-01-13. Review status: criteria provided, single submitter. Criteria: ICSL Variant Classification Criteria 13 December 2019. Collection method: clinical testing. Allele origin: germline.

NM_173477.5(USH1G):c.563G>T (p.Arg188Leu)

Gene: USH1G (USH1 protein network component sans; minus strand). Cytogenetic location: 17q25.1.
Variant type: single nucleotide variant.
Coding change: c.563G>T on transcript NM_173477.5 (MANE Select); coding-DNA position 563, G replaced by T.
Protein change: p.Arg188Leu; replaces arginine 188 with leucine.
Molecular consequence: missense variant.
Genome position (GRCh38, 1-based): chr17:74,920,273, C>A on the plus strand (G>T on the coding strand, the complement: USH1G is on the minus strand). VCF-style: chr17-74920273-C-A. GRCh37 (hg19) VCF-style: chr17-72916368-C-A.
Other names: c.254G>T, p.Arg85Leu (NM_001282489.3); short protein forms R188L, R85L.
Identifiers: ClinVar variation 325054 (VCV000325054.17), dbSNP rs201123735, ClinGen allele CA8754045.